The following is an entry in ClinVar:

ClinVar aggregate classification (germline): Uncertain significance (1 of 4 stars; one submission).

Conditions:
Microcephaly, normal intelligence and immunodeficiency (NBS). Also called: Microcephaly with normal intelligence immunodeficiency and lymphoreticular malignancies; Nonsyndromal microcephaly autosomal recessive with normal intelligence; Seemanova syndrome 2; Immunodeficiency, microcephaly with normal intelligence; BERLIN BREAKAGE SYNDROME; SEEMANOVA SYNDROME II. Identifiers: Orphanet 647, MedGen C0398791, MONDO:0009623, OMIM 251260.

Submission:

Labcorp Genetics (formerly Invitae), Labcorp
Classification: Uncertain significance for Microcephaly, normal intelligence and immunodeficiency. Last evaluated: 2024-02-23. Review status: criteria provided, single submitter. Criteria: Invitae Variant Classification Sherloc (09022015). Collection method: clinical testing. Allele origin: germline.
Comment: This sequence change replaces tryptophan, which is neutral and slightly polar, with arginine, which is basic and polar, at codon 722 of the NBN protein (p.Trp722Arg). This variant is not present in population databases (gnomAD no frequency). This variant has not been reported in the literature in individuals affected with NBN-related conditions. ClinVar contains an entry for this variant (Variation ID: 1403162). An algorithm developed to predict the effect of missense changes on protein structure and function (PolyPhen-2) suggests that this variant is likely to be disruptive. In summary, the available evidence is currently insufficient to determine the role of this variant in disease. Therefore, it has been classified as a Variant of Uncertain Significance.

NM_002485.5(NBN):c.2164T>A (p.Trp722Arg)

Gene: NBN (nibrin; minus strand). Cytogenetic location: 8q21.3.
Variant type: single nucleotide variant.
Coding change: c.2164T>A on transcript NM_002485.5 (MANE Select); coding-DNA position 2164, T replaced by A.
Protein change: p.Trp722Arg; replaces tryptophan 722 with arginine.
Molecular consequence: missense variant.
Genome position (GRCh38, 1-based): chr8:89,943,273, A>T on the plus strand (T>A on the coding strand, the complement: NBN is on the minus strand). VCF-style: chr8-89943273-A-T. GRCh37 (hg19) VCF-style: chr8-90955501-A-T.
Other names: c.1918T>A, p.Trp640Arg (NM_001024688.3); short protein forms W640R, W722R.
Identifiers: ClinVar variation 1403162 (VCV001403162.8), dbSNP rs1554555748, ClinGen allele CA371675347.
Genomic context (GRCh38, chr8:89,943,273, plus strand): 5'-TGCAATTTAAGCAAGTTTCTGGGCCTCACTTCCTACTAACCTCCATTTCCTGCCTTAGCC[A>T]CTCTTCTAGTTCTGTATTCTTTCGAGCATGATGAGCTATTAGATCTGATCCTCCAATGAT-3'
Protein context (NP_002476.2, residues 712-732): HARKNTELEE[Trp722Arg]LRQEMEVQNQ